The following is an entry in ClinVar:

NM_024675.4(PALB2):c.1132C>T (p.Pro378Ser)

Gene: PALB2 (partner and localizer of BRCA2; minus strand). Cytogenetic location: 16p12.2.
Variant type: single nucleotide variant.
Coding change: c.1132C>T on transcript NM_024675.4 (MANE Select); coding-DNA position 1132, C replaced by T.
Protein change: p.Pro378Ser; replaces proline 378 with serine.
Molecular consequence: missense variant. On other transcripts: intron variant (3).
Genome position (GRCh38, 1-based): chr16:23,635,414, G>A on the plus strand (C>T on the coding strand, the complement: PALB2 is on the minus strand). VCF-style: chr16-23635414-G-A. GRCh37 (hg19) VCF-style: chr16-23646735-G-A.
Other names: c.1132C>T, p.Pro378Ser (NM_001407301.1, NM_001407302.1, NM_001407297.1 and 3 more transcripts); c.247C>T, p.Pro83Ser (NM_001407304.1, NM_001407305.1, NM_001407306.1 and 5 more transcripts); c.48+5696C>T (NM_001407314.1); c.-104-4945C>T (NM_001407313.1, NM_001407312.1); c.1072C>T, p.Pro358Ser (NM_001407296.1); short protein forms P358S, P378S, P83S.
Identifiers: ClinVar variation 4741181 (VCV004741181.1).

ClinVar aggregate classification (germline): Uncertain significance (1 of 4 stars; one submission).

Conditions:
Familial cancer of breast. Also called: BREAST CANCER, FAMILIAL; Hereditary breast cancer; hereditary breast carcinoma. Identifiers: Orphanet 227535, MedGen C0346153, MONDO:0016419, OMIM 114480. Disease mechanism: loss of function.

Submission:

Labcorp Genetics (formerly Invitae), Labcorp
Classification: Uncertain significance for Familial cancer of breast. Last evaluated: 2025-02-06. Review status: criteria provided, single submitter. Criteria: Invitae Variant Classification Sherloc (09022015). Collection method: clinical testing. Allele origin: germline.
Comment: This sequence change replaces proline, which is neutral and non-polar, with serine, which is neutral and polar, at codon 378 of the PALB2 protein (p.Pro378Ser). This variant is not present in population databases (gnomAD no frequency). This variant has not been reported in the literature in individuals affected with PALB2-related conditions. Invitae Evidence Modeling of protein sequence and biophysical properties (such as structural, functional, and spatial information, amino acid conservation, physicochemical variation, residue mobility, and thermodynamic stability) indicates that this missense variant is not expected to disrupt PALB2 protein function with a negative predictive value of 80%. In summary, the available evidence is currently insufficient to determine the role of this variant in disease. Therefore, it has been classified as a Variant of Uncertain Significance.